The following is an entry in ClinVar:

NM_006420.3(ARFGEF2):c.5266C>T (p.Arg1756Trp)

Gene: ARFGEF2 (ARF guanine nucleotide exchange factor 2; plus strand). Cytogenetic location: 20q13.13.
Variant type: single nucleotide variant.
Coding change: c.5266C>T on transcript NM_006420.3 (MANE Select); coding-DNA position 5266, C replaced by T.
Protein change: p.Arg1756Trp; replaces arginine 1756 with tryptophan.
Molecular consequence: missense variant.
Genome position (GRCh38, 1-based): chr20:49,033,107, C>T. VCF-style: chr20-49033107-C-T. GRCh37 (hg19) VCF-style: chr20-47649644-C-T.
Other names: short protein forms R1756W.
Identifiers: ClinVar variation 1304757 (VCV001304757.4), dbSNP rs139003168, ClinGen allele CA9899440.

ClinVar aggregate classification (germline): Uncertain significance. Review status: criteria provided, multiple submitters, no conflicts (2 of 4 stars). 3 submissions from 3 submitters: Uncertain significance (3). Last evaluated 2024-09-11.

Conditions:
Inborn genetic diseases. Identifiers: MedGen C0950123, MeSH D030342.
Periventricular heterotopia with microcephaly, autosomal recessive (ARPHM). Also called: Periventricular heterotopia with microcephaly; PERIVENTRICULAR NODULAR HETEROTOPIA 2. Identifiers: Orphanet 2149, MedGen C1842563, MONDO:0011966, OMIM 608097.

Allele frequency attached by ClinVar (database versions not stated): gnomAD exomes 0.00003 and 0.00006; ExAC 0.00006; gnomAD 0.00006 and 0.00007; TOPMed 0.00009; ESP Exome Variant Server 0.00015.

Submissions (3):

Ambry Genetics
Classification: Uncertain significance for Inborn genetic diseases. Last evaluated: 2024-09-11. Review status: criteria provided, single submitter. Criteria: Ambry Variant Classification Scheme 2023. Collection method: clinical testing. Allele origin: germline.

Genomic Medicine Center of Excellence, King Faisal Specialist Hospital and Research Centre
Classification: Uncertain significance for Periventricular heterotopia with microcephaly, autosomal recessive. Last evaluated: 2024-04-04. Review status: criteria provided, single submitter. Criteria: ACMG Guidelines, 2015. Collection method: clinical testing. Allele origin: germline.

GeneDx
Classification: Uncertain significance. Last evaluated: 2019-06-03. Review status: criteria provided, single submitter. Criteria: GeneDx Variant Classification Process June 2021. Collection method: clinical testing. Allele origin: germline. Affected: yes.
Comment: In silico analysis, which includes protein predictors and evolutionary conservation, supports a deleterious effect; Has not been previously published as pathogenic or benign to our knowledge